The following is an entry in ClinVar:

NM_015261.3(NCAPD3):c.2145G>A (p.Ser715=)

Gene: NCAPD3 (non-SMC condensin II complex subunit D3; minus strand). Cytogenetic location: 11q25.
Variant type: single nucleotide variant.
Coding change: c.2145G>A on transcript NM_015261.3 (MANE Select); coding-DNA position 2145, G replaced by A.
Protein change: p.Ser715=; no amino-acid change (serine 715 retained).
Molecular consequence: synonymous variant.
Genome position (GRCh38, 1-based): chr11:134,185,427, C>T on the plus strand (G>A on the coding strand, the complement: NCAPD3 is on the minus strand). VCF-style: chr11-134185427-C-T. GRCh37 (hg19) VCF-style: chr11-134055322-C-T.
Other names: c.2145G>A, p.Ser715= (NM_001372065.1, NM_001372068.1); c.1731G>A, p.Ser577= (NM_001372069.1, NM_001372070.1).
Identifiers: ClinVar variation 3047943 (VCV003047943.2), dbSNP rs149387597, ClinGen allele CA231284129.

ClinVar aggregate classification (germline): Likely benign (0 of 4 stars; one submission).

Conditions:
NCAPD3-related disorder. Also called: NCAPD3-related condition.

Allele frequency attached by ClinVar (database versions not stated): gnomAD exomes 0.00001; gnomAD 0.00005; TOPMed 0.00006; ESP Exome Variant Server 0.00023.
gnomAD v4.1: 15 of 1,613,826 alleles (0.00093%); highest among the groups gnomAD compares: Middle Eastern, 0.016%; no homozygotes.

Submission:

PreventionGenetics, part of Exact Sciences
Classification: Likely benign for NCAPD3-related condition. Last evaluated: 2019-02-21. Review status: no assertion criteria provided. Collection method: clinical testing. Allele origin: germline.
Comment: This variant is classified as likely benign based on ACMG/AMP sequence variant interpretation guidelines (Richards et al. 2015 PMID: 25741868, with internal and published modifications).